The following is an entry in ClinVar:

NM_014228.5(SLC6A7):c.219C>T (p.Gly73=)

Gene: SLC6A7 (solute carrier family 6 member 7; plus strand). Cytogenetic location: 5q32.
Variant type: single nucleotide variant.
Coding change: c.219C>T on transcript NM_014228.5 (MANE Select); coding-DNA position 219, C replaced by T.
Protein change: p.Gly73=; no amino-acid change (glycine 73 retained).
Molecular consequence: synonymous variant.
Genome position (GRCh38, 1-based): chr5:150,196,717, C>T. VCF-style: chr5-150196717-C-T. GRCh37 (hg19) VCF-style: chr5-149576280-C-T.
Identifiers: ClinVar variation 4083600 (VCV004083600.8).

ClinVar aggregate classification (germline): Benign (1 of 4 stars; one submission).

gnomAD v4.1: 5,364 of 1,607,434 alleles (0.33%); highest among the groups gnomAD compares: Admixed American, 1.2%; 64 homozygotes.

Submission:

CeGaT Center for Human Genetics Tuebingen
Classification: Benign. Last evaluated: 2025-07-01. Review status: criteria provided, single submitter. Criteria: CeGaT Center For Human Genetics Tuebingen Variant Classification Criteria Version 2. Collection method: clinical testing. Allele origin: germline. Affected: yes. Observed: 1 variant allele.
Comment: SLC6A7: BP4, BP7, BS1, BS2